The following is an entry in ClinVar:

ClinVar aggregate classification (germline): Uncertain significance (1 of 4 stars; one submission).

gnomAD v4.1: 17 of 1,613,788 alleles (0.0011%); highest among the groups gnomAD compares: African/African-American, 0.012%; no homozygotes.

Submission:

Ambry Genetics
Classification: Uncertain significance. Last evaluated: 2025-11-20. Review status: criteria provided, single submitter. Criteria: Ambry Variant Classification Scheme 2023. Collection method: clinical testing. Allele origin: germline.
Comment: The c.919G>C (p.V307L) alteration is located in exon 6 (coding exon 6) of the FADS6 gene. This alteration results from a G to C substitution at nucleotide position 919, causing the valine (V) at amino acid position 307 to be replaced by a leucine (L). Based on data from gnomAD, the C allele has an overall frequency of 0.001% (3/277690) total alleles studied. The highest observed frequency was 0.004% (1/24196) of African alleles. Based on insufficient or conflicting evidence, the clinical significance of this alteration remains unclear.

NM_178128.6(FADS6):c.973G>C (p.Val325Leu)

Gene: FADS6 (fatty acid desaturase 6; minus strand). Cytogenetic location: 17q25.1.
Variant type: single nucleotide variant.
Coding change: c.973G>C on transcript NM_178128.6 (MANE Select); coding-DNA position 973, G replaced by C.
Protein change: p.Val325Leu; replaces valine 325 with leucine.
Molecular consequence: missense variant.
Genome position (GRCh38, 1-based): chr17:74,878,465, C>G on the plus strand (G>C on the coding strand, the complement: FADS6 is on the minus strand). VCF-style: chr17-74878465-C-G. GRCh37 (hg19) VCF-style: chr17-72874594-C-G.
Other names: short protein forms V325L.
Identifiers: ClinVar variation 4666080 (VCV004666080.1).